The following is an entry in ClinVar:

NM_178229.5(IQGAP3):c.3976+5G>A

Gene: IQGAP3 (IQ motif containing GTPase activating protein 3; minus strand). Cytogenetic location: 1q22.
Variant type: single nucleotide variant.
Coding change: c.3976+5G>A on transcript NM_178229.5 (MANE Select); 5 bases into the intron after coding-DNA position 3976, G replaced by A.
Molecular consequence: intron variant.
Genome position (GRCh38, 1-based): chr1:156,533,768, C>T on the plus strand (G>A on the coding strand, the complement: IQGAP3 is on the minus strand). VCF-style: chr1-156533768-C-T. GRCh37 (hg19) VCF-style: chr1-156503560-C-T.
Other names: NC_000001.10:g.156503560C>T.
Identifiers: ClinVar variation 3056368 (VCV003056368.3), dbSNP rs41267377, ClinGen allele CA1160866.
Genomic context (GRCh38, chr1:156,533,768, plus strand): 5'-GCCTGCCTGTCCCTCCCTCCATGCAGGTCCCCTAGCTGGCCTCAGCTGCTAAGGAGGGCA[C>T]GTACCAATAAGGTCAGGGATGGTGGGCAGCTCCCCAAGATCCTCCAGGAGCTCATGCAGG-3'

ClinVar aggregate classification (germline): Benign (0 of 4 stars; one submission).

Conditions:
IQGAP3-related disorder. Also called: IQGAP3-related condition.

Allele frequency attached by ClinVar (database versions not stated): 1000 Genomes Project 30x 0.01015; 1000 Genomes Project 0.01078; TOPMed 0.01722; gnomAD 0.01861; ESP Exome Variant Server 0.01907; ExAC 0.01913; gnomAD exomes 0.02038.
gnomAD v4.1: 32,773 of 1,611,352 alleles (2%); highest among the groups gnomAD compares: Middle Eastern, 6.2%; 397 homozygotes.

Submissions 1 to 32 of 44:

PreventionGenetics, part of Exact Sciences
Classification: Benign for IQGAP3-related condition. Last evaluated: 2019-02-26. Review status: no assertion criteria provided. Collection method: clinical testing. Allele origin: germline.
Comment: This variant is classified as benign based on ACMG/AMP sequence variant interpretation guidelines (Richards et al. 2015 PMID: 25741868, with internal and published modifications).

Dr. Peter K. Rogan Lab, Western University
No classification provided (evidence only). Condition: Clear cell carcinoma of kidney. Review status: no classification provided. Collection method: in vitro. Allele origin: not applicable. Functional consequence: retained intron. Not counted in ClinVar's aggregate classification.

Dr. Peter K. Rogan Lab, Western University
No classification provided (evidence only). Condition: Clear cell carcinoma of kidney. Review status: no classification provided. Collection method: in vitro. Allele origin: not applicable. Functional consequence: retained intron. Not counted in ClinVar's aggregate classification.

Dr. Peter K. Rogan Lab, Western University
No classification provided (evidence only). Condition: Lung cancer. Review status: no classification provided. Collection method: in vitro. Allele origin: not applicable. Functional consequence: retained intron. Not counted in ClinVar's aggregate classification.

Dr. Peter K. Rogan Lab, Western University
No classification provided (evidence only). Condition: Acute myeloid leukemia. Review status: no classification provided. Collection method: in vitro. Allele origin: not applicable. Functional consequence: retained intron. Not counted in ClinVar's aggregate classification.

Dr. Peter K. Rogan Lab, Western University
No classification provided (evidence only). Condition: Acute myeloid leukemia. Review status: no classification provided. Collection method: in vitro. Allele origin: not applicable. Functional consequence: retained intron. Not counted in ClinVar's aggregate classification.

Dr. Peter K. Rogan Lab, Western University
No classification provided (evidence only). Condition: Colon adenocarcinoma. Review status: no classification provided. Collection method: in vitro. Allele origin: not applicable. Functional consequence: retained intron. Not counted in ClinVar's aggregate classification.

Dr. Peter K. Rogan Lab, Western University
No classification provided (evidence only). Condition: Colon adenocarcinoma. Review status: no classification provided. Collection method: in vitro. Allele origin: not applicable. Functional consequence: retained intron. Not counted in ClinVar's aggregate classification.

Dr. Peter K. Rogan Lab, Western University
No classification provided (evidence only). Condition: Colon adenocarcinoma. Review status: no classification provided. Collection method: in vitro. Allele origin: not applicable. Functional consequence: retained intron. Not counted in ClinVar's aggregate classification.

Dr. Peter K. Rogan Lab, Western University
No classification provided (evidence only). Condition: Colon adenocarcinoma. Review status: no classification provided. Collection method: in vitro. Allele origin: not applicable. Functional consequence: retained intron. Not counted in ClinVar's aggregate classification.

Dr. Peter K. Rogan Lab, Western University
No classification provided (evidence only). Condition: Colon adenocarcinoma. Review status: no classification provided. Collection method: in vitro. Allele origin: not applicable. Functional consequence: retained intron. Not counted in ClinVar's aggregate classification.

Dr. Peter K. Rogan Lab, Western University
No classification provided (evidence only). Condition: Colorectal cancer. Review status: no classification provided. Collection method: in vitro. Allele origin: not applicable. Functional consequence: retained intron. Not counted in ClinVar's aggregate classification.

Dr. Peter K. Rogan Lab, Western University
No classification provided (evidence only). Condition: Uterine corpus endometrial carcinoma. Review status: no classification provided. Collection method: in vitro. Allele origin: not applicable. Functional consequence: retained intron. Not counted in ClinVar's aggregate classification.

Dr. Peter K. Rogan Lab, Western University
No classification provided (evidence only). Condition: Cervical cancer. Review status: no classification provided. Collection method: in vitro. Allele origin: not applicable. Functional consequence: retained intron. Not counted in ClinVar's aggregate classification.

Dr. Peter K. Rogan Lab, Western University
No classification provided (evidence only). Condition: Cervical cancer. Review status: no classification provided. Collection method: in vitro. Allele origin: not applicable. Functional consequence: retained intron. Not counted in ClinVar's aggregate classification.

Dr. Peter K. Rogan Lab, Western University
No classification provided (evidence only). Condition: Cervical cancer. Review status: no classification provided. Collection method: in vitro. Allele origin: not applicable. Functional consequence: retained intron. Not counted in ClinVar's aggregate classification.

Dr. Peter K. Rogan Lab, Western University
No classification provided (evidence only). Condition: Cervical cancer. Review status: no classification provided. Collection method: in vitro. Allele origin: not applicable. Functional consequence: retained intron. Not counted in ClinVar's aggregate classification.

Dr. Peter K. Rogan Lab, Western University
No classification provided (evidence only). Condition: Sarcoma. Review status: no classification provided. Collection method: in vitro. Allele origin: not applicable. Functional consequence: retained intron. Not counted in ClinVar's aggregate classification.

Dr. Peter K. Rogan Lab, Western University
No classification provided (evidence only). Condition: Thymoma. Review status: no classification provided. Collection method: in vitro. Allele origin: not applicable. Functional consequence: retained intron. Not counted in ClinVar's aggregate classification.

Dr. Peter K. Rogan Lab, Western University
No classification provided (evidence only). Condition: Thymoma. Review status: no classification provided. Collection method: in vitro. Allele origin: not applicable. Functional consequence: retained intron. Not counted in ClinVar's aggregate classification.

Dr. Peter K. Rogan Lab, Western University
No classification provided (evidence only). Condition: Cholangiocarcinoma. Review status: no classification provided. Collection method: in vitro. Allele origin: not applicable. Functional consequence: retained intron. Not counted in ClinVar's aggregate classification.

Dr. Peter K. Rogan Lab, Western University
No classification provided (evidence only). Condition: Ovarian serous cystadenocarcinoma. Review status: no classification provided. Collection method: in vitro. Allele origin: not applicable. Functional consequence: retained intron. Not counted in ClinVar's aggregate classification.

Dr. Peter K. Rogan Lab, Western University
No classification provided (evidence only). Condition: Ovarian serous cystadenocarcinoma. Review status: no classification provided. Collection method: in vitro. Allele origin: not applicable. Functional consequence: retained intron. Not counted in ClinVar's aggregate classification.

Dr. Peter K. Rogan Lab, Western University
No classification provided (evidence only). Condition: Ovarian serous cystadenocarcinoma. Review status: no classification provided. Collection method: in vitro. Allele origin: not applicable. Functional consequence: retained intron. Not counted in ClinVar's aggregate classification.

Dr. Peter K. Rogan Lab, Western University
No classification provided (evidence only). Condition: Ovarian serous cystadenocarcinoma. Review status: no classification provided. Collection method: in vitro. Allele origin: not applicable. Functional consequence: retained intron. Not counted in ClinVar's aggregate classification.

Dr. Peter K. Rogan Lab, Western University
No classification provided (evidence only). Condition: Ovarian serous cystadenocarcinoma. Review status: no classification provided. Collection method: in vitro. Allele origin: not applicable. Functional consequence: retained intron. Not counted in ClinVar's aggregate classification.

Dr. Peter K. Rogan Lab, Western University
No classification provided (evidence only). Condition: Gastric cancer. Review status: no classification provided. Collection method: in vitro. Allele origin: not applicable. Functional consequence: retained intron. Not counted in ClinVar's aggregate classification.

Dr. Peter K. Rogan Lab, Western University
No classification provided (evidence only). Condition: Gastric cancer. Review status: no classification provided. Collection method: in vitro. Allele origin: not applicable. Functional consequence: retained intron. Not counted in ClinVar's aggregate classification.

Dr. Peter K. Rogan Lab, Western University
No classification provided (evidence only). Condition: Gastric cancer. Review status: no classification provided. Collection method: in vitro. Allele origin: not applicable. Functional consequence: retained intron. Not counted in ClinVar's aggregate classification.

Dr. Peter K. Rogan Lab, Western University
No classification provided (evidence only). Condition: Gastric cancer. Review status: no classification provided. Collection method: in vitro. Allele origin: not applicable. Functional consequence: retained intron. Not counted in ClinVar's aggregate classification.

Dr. Peter K. Rogan Lab, Western University
No classification provided (evidence only). Condition: Gastric cancer. Review status: no classification provided. Collection method: in vitro. Allele origin: not applicable. Functional consequence: retained intron. Not counted in ClinVar's aggregate classification.

Dr. Peter K. Rogan Lab, Western University
No classification provided (evidence only). Condition: Gastric cancer. Review status: no classification provided. Collection method: in vitro. Allele origin: not applicable. Functional consequence: retained intron. Not counted in ClinVar's aggregate classification.